The following is an entry in ClinVar:

ClinVar aggregate classification (germline): Uncertain significance (1 of 4 stars; one submission).

Conditions:
Hyper-IgE syndrome 6, autosomal dominant, with recurrent infections (HIES6). Identifiers: MedGen C5848786, MONDO:0957807, OMIM 620532.

gnomAD v4.1: 1 of 1,614,168 alleles (0.000062%); highest among the groups gnomAD compares: Non-Finnish European, 0.000085%; no homozygotes.

Submission:

3billion
Classification: Uncertain significance for Hyper-IgE syndrome 6, autosomal dominant, with recurrent infections. Last evaluated: 2024-07-24. Review status: criteria provided, single submitter. Criteria: ACMG Guidelines, 2015. Collection method: clinical testing. Allele origin: germline. Affected: yes.
Comment: The variant is observed at an extremely low frequency in the gnomAD v4.0.0 dataset (total allele frequency: <0.001%). Predicted Consequence/Location: Missense changes are a common disease-causing mechanism. Damaging effect on gene or gene product predicted by in silico programs is uncertain [REVEL: 0.53 (damaging >=0.6, benign <0.4), 3Cnet: 0.00 (damaging >=0.6, benign <0.15)]. Therefore, this variant is classified as VUS according to the recommendation of ACMG/AMP guideline.

NM_003153.5(STAT6):c.2285G>A (p.Cys762Tyr)

Gene: STAT6 (signal transducer and activator of transcription 6; minus strand). Cytogenetic location: 12q13.3.
Variant type: single nucleotide variant.
Coding change: c.2285G>A on transcript NM_003153.5 (MANE Select); coding-DNA position 2285, G replaced by A.
Protein change: p.Cys762Tyr; replaces cysteine 762 with tyrosine.
Molecular consequence: missense variant. On other transcripts: non-coding transcript variant (1).
Genome position (GRCh38, 1-based): chr12:57,096,919, C>T on the plus strand (G>A on the coding strand, the complement: STAT6 is on the minus strand). VCF-style: chr12-57096919-C-T. GRCh37 (hg19) VCF-style: chr12-57490702-C-T.
Other names: c.2285G>A, p.Cys762Tyr (NM_001178078.2, NM_001178079.2); c.1955G>A, p.Cys652Tyr (NM_001178080.2, NM_001178081.2); short protein forms C652Y, C762Y.
Identifiers: ClinVar variation 4293117 (VCV004293117.1).